The following is an entry in ClinVar:

ClinVar aggregate classification (germline): Pathogenic/Likely pathogenic. Review status: criteria provided, multiple submitters, no conflicts (2 of 4 stars). 2 submissions from 2 submitters: Pathogenic (1); Likely pathogenic (1). Last evaluated 2025-09-09.

Conditions:
Rapadilino syndrome. Identifiers: Orphanet 3021, MedGen C1849453, MONDO:0009955, OMIM 266280.
Baller-Gerold syndrome (BGS). Also called: CRANIOSYNOSTOSIS WITH RADIAL DEFECTS. Identifiers: Orphanet 1225, MedGen C0265308, MONDO:0009039, OMIM 218600.
Rothmund-Thomson syndrome type 2 (RTS2). Identifiers: Orphanet 221016, MedGen C5203410, MONDO:0016369, OMIM 268400.

Allele frequency attached by ClinVar (database versions not stated): gnomAD exomes below 0.00001.
gnomAD v4.1: 2 of 1,612,954 alleles (0.00012%); highest among the groups gnomAD compares: Non-Finnish European, 0.00017%; no homozygotes.

Submissions (2):

Labcorp Genetics (formerly Invitae), Labcorp
Classification: Pathogenic for Baller-Gerold syndrome. Last evaluated: 2025-09-09. Review status: criteria provided, single submitter. Criteria: Invitae Variant Classification Sherloc (09022015). Collection method: clinical testing. Allele origin: germline.
Comment: This sequence change creates a premature translational stop signal (p.Trp379*) in the RECQL4 gene. It is expected to result in an absent or disrupted protein product. Loss-of-function variants in RECQL4 are known to be pathogenic (PMID: 12734318, 12952869). This variant is present in population databases (no rsID available, gnomAD 0.0009%). This variant has not been reported in the literature in individuals affected with RECQL4-related conditions. ClinVar contains an entry for this variant (Variation ID: 843640). Algorithms developed to predict the effect of sequence changes on RNA splicing suggest that this variant may disrupt the consensus splice site. For these reasons, this variant has been classified as Pathogenic.

Juno Genomics, Hangzhou Juno Genomics, Inc
Classification: Likely pathogenic for Baller-Gerold syndrome; Rapadilino syndrome; Rothmund-Thomson syndrome type 2. Review status: criteria provided, single submitter. Criteria: ACMG Guidelines, 2015. Collection method: clinical testing. Allele origin: germline.
Comment: Null variant in a gene where loss of function (LOF) is a known mechanism of disease.;Absent from controls (or at extremely low frequency if recessive) in Genome Aggregation Database.

Literature cited by the submitters: PubMed 12734318 (cited by Labcorp Genetics (formerly Invitae), Labcorp); PubMed 12952869 (cited by Labcorp Genetics (formerly Invitae), Labcorp).

NM_004260.4(RECQL4):c.1137G>A (p.Trp379Ter)

Gene: RECQL4 (RecQ like helicase 4; minus strand). Cytogenetic location: 8q24.3.
Variant type: single nucleotide variant.
Coding change: c.1137G>A on transcript NM_004260.4 (MANE Select); coding-DNA position 1137, G replaced by A.
Protein change: p.Trp379Ter; replaces tryptophan 379 with a stop codon.
Molecular consequence: nonsense.
Genome position (GRCh38, 1-based): chr8:144,515,885, C>T on the plus strand (G>A on the coding strand, the complement: RECQL4 is on the minus strand). VCF-style: chr8-144515885-C-T. GRCh37 (hg19) VCF-style: chr8-145741269-C-T.
Other names: short protein forms W379*.
Identifiers: ClinVar variation 843640 (VCV000843640.10), dbSNP rs1360427319, ClinGen allele CA372687854.
Genomic context (GRCh38, chr8:144,515,885, plus strand): 5'-GGTTGTGACTGTGGCACCACCACCCCCAAAACACTCCCCTTTCTTCCGCCACTTCTGCTT[C>T]CATGCCTGGGGGGTGCCCACATAGGAGGGTCACTGGGCGGGAAATACGGGAGGGCTGAGG-3'